The following is an entry in ClinVar:

NM_004006.3(DMD):c.4591C>T (p.Gln1531Ter)

Gene: DMD (dystrophin; minus strand). Cytogenetic location: Xp21.1.
Variant type: single nucleotide variant.
Coding change: c.4591C>T on transcript NM_004006.3 (MANE Select); coding-DNA position 4591, C replaced by T.
Protein change: p.Gln1531Ter; replaces glutamine 1531 with a stop codon.
Molecular consequence: nonsense.
Genome position (GRCh38, 1-based): chrX:32,386,393, G>A on the plus strand (C>T on the coding strand, the complement: DMD is on the minus strand). VCF-style: chrX-32386393-G-A. GRCh37 (hg19) VCF-style: chrX-32404510-G-A.
Other names: c.4567C>T, p.Gln1523Ter (NM_000109.4); c.4579C>T, p.Gln1527Ter (NM_004009.3); c.4222C>T, p.Gln1408Ter (NM_004010.3); c.568C>T, p.Gln190Ter (NM_004011.4); c.559C>T, p.Gln187Ter (NM_004012.4); short protein forms Q1531*, Q1527*, Q190*, Q1523*, Q1408*, Q187*.
Identifiers: ClinVar variation 499188 (VCV000499188.19), dbSNP rs1557320194, ClinGen allele CA412662653.

ClinVar aggregate classification (germline): Pathogenic. Review status: criteria provided, multiple submitters, no conflicts (2 of 4 stars). 5 submissions from 5 submitters: Pathogenic (5). Last evaluated 2026-08-06.

Conditions:
Duchenne muscular dystrophy (DMD). Also called: MUSCULAR DYSTROPHY, PSEUDOHYPERTROPHIC PROGRESSIVE, DUCHENNE TYPE; Duchenne Muscular Dystrophy (DMD). Identifiers: Orphanet 98896, MedGen C0013264, MONDO:0010679, OMIM 310200.
Becker muscular dystrophy (BMD). Also called: Becker Muscular Dystrophy (BMD); MUSCULAR DYSTROPHY, PSEUDOHYPERTROPHIC PROGRESSIVE, BECKER TYPE. Identifiers: Orphanet 98895, MedGen C0917713, MONDO:0010311, OMIM 300376.

Submissions (5):

OLLIN Analises Genomicas, OLLIN
Classification: Pathogenic for Becker muscular dystrophy. Last evaluated: 2026-08-06. Review status: criteria provided, single submitter. Criteria: ACMG Guidelines 2015 PMID 25741868. Collection method: clinical testing. Allele origin: germline. Inheritance: X-linked inheritance.
Comment: This nonsense variant, located in exon 33 (of 79), is absent from gnomAD but has been reported in ClinVar (accession VCV000499188.18) and in the scientific literature in individuals with DMD related disorders (PMID: 27593222, 21396098). This variant introduces a premature stop codon, which is predicted to result in either a truncated protein or degradation of the mRNA via nonsense-mediated decay (NMD). According to the currently available evidence, this variant has been classified as pathogenic (PVS1, PM2_P).

Labcorp Genetics (formerly Invitae), Labcorp
Classification: Pathogenic for Duchenne muscular dystrophy. Last evaluated: 2022-08-20. Review status: criteria provided, single submitter. Criteria: Invitae Variant Classification Sherloc (09022015). Collection method: clinical testing. Allele origin: germline.
Comment: ClinVar contains an entry for this variant (Variation ID: 499188). For these reasons, this variant has been classified as Pathogenic. This premature translational stop signal has been observed in individual(s) with DMD-related conditions (PMID: 27593222). This variant is not present in population databases (gnomAD no frequency). This sequence change creates a premature translational stop signal (p.Gln1531*) in the DMD gene. It is expected to result in an absent or disrupted protein product. Loss-of-function variants in DMD are known to be pathogenic (PMID: 16770791, 25007885).

Mendelics
Classification: Pathogenic for Duchenne muscular dystrophy. Last evaluated: 2019-05-28. Review status: criteria provided, single submitter. Criteria: Mendelics Assertion Criteria 2017. Collection method: clinical testing. Allele origin: unknown.

ARUP Laboratories, Molecular Genetics and Genomics, ARUP Laboratories
Classification: Pathogenic. Last evaluated: 2017-05-30. Review status: criteria provided, single submitter. Criteria: ARUP Molecular Germline Variant Investigation Process. Collection method: clinical testing. Allele origin: germline.
Comment: The p.Gln1531Ter variant has been previously identified in a cohort of symptomatic Korean patients (Kim 2016). This variant is also listed in the Eurofins Clinical Diagnostics Variant Classification Catalog. The p.Gln1531Ter variant creates an early termination codon in exon 33 and is expected to result in a truncated or absent protein product. This variant is also absent from population databases such as 1000 Genomes, the NHLBI GO Exome Sequencing Project (ESP), and the Genome Aggregation Database (gnomAD) browser.

Eurofins Ntd Llc (ga)
Classification: Pathogenic. Last evaluated: 2017-01-05. Review status: criteria provided, single submitter. Criteria: EGL Classification Definitions 2015. Collection method: clinical testing. Allele origin: germline. Observed: 1 variant allele, 1 hemizygote.

Literature cited by the submitters: PubMed 27593222 (cited by OLLIN Analises Genomicas, OLLIN and Labcorp Genetics (formerly Invitae), Labcorp); PubMed 21396098 (cited by OLLIN Analises Genomicas, OLLIN); PubMed 16770791 (cited by Labcorp Genetics (formerly Invitae), Labcorp); PubMed 25007885 (cited by Labcorp Genetics (formerly Invitae), Labcorp).